The following is an entry in ClinVar:

ClinVar aggregate classification (germline): Uncertain significance (1 of 4 stars; one submission).

Conditions:
Severe combined immunodeficiency due to DNA-PKcs deficiency. Also called: IMMUNODEFICIENCY 26 WITH NEUROLOGIC ABNORMALITIES; Immunodeficiency 26 with or without neurologic abnormalities. Identifiers: Orphanet 317425, MedGen C4014833, MONDO:0014423, OMIM 615966.

Allele frequency attached by ClinVar (database versions not stated): gnomAD 0.00001; TOPMed 0.00001; gnomAD exomes 0.00002; ExAC 0.00003; ESP Exome Variant Server 0.00008.

Submission:

Labcorp Genetics (formerly Invitae), Labcorp
Classification: Uncertain significance for Severe combined immunodeficiency due to DNA-PKcs deficiency. Last evaluated: 2024-07-22. Review status: criteria provided, single submitter. Criteria: Invitae Variant Classification Sherloc (09022015). Collection method: clinical testing. Allele origin: germline.
Comment: This sequence change replaces serine with proline at codon 2626 of the PRKDC protein (p.Ser2626Pro). The serine residue is weakly conserved and there is a moderate physicochemical difference between serine and proline. This variant is present in population databases (rs374990584, gnomAD 0.007%). This variant has not been reported in the literature in individuals affected with PRKDC-related conditions. ClinVar contains an entry for this variant (Variation ID: 1520815). Advanced modeling of protein sequence and biophysical properties (such as structural, functional, and spatial information, amino acid conservation, physicochemical variation, residue mobility, and thermodynamic stability) performed at Invitae indicates that this missense variant is not expected to disrupt PRKDC protein function with a negative predictive value of 80%. In summary, the available evidence is currently insufficient to determine the role of this variant in disease. Therefore, it has been classified as a Variant of Uncertain Significance.

NM_006904.7(PRKDC):c.7876T>C (p.Ser2626Pro)

Gene: PRKDC (protein kinase, DNA-activated, catalytic subunit; minus strand). Cytogenetic location: 8q11.21.
Variant type: single nucleotide variant.
Coding change: c.7876T>C on transcript NM_006904.7 (MANE Select); coding-DNA position 7876, T replaced by C.
Protein change: p.Ser2626Pro; replaces serine 2626 with proline.
Molecular consequence: missense variant.
Genome position (GRCh38, 1-based): chr8:47,836,413, A>G on the plus strand (T>C on the coding strand, the complement: PRKDC is on the minus strand). VCF-style: chr8-47836413-A-G. GRCh37 (hg19) VCF-style: chr8-48748974-A-G.
Other names: c.7876T>C, p.Ser2626Pro (NM_001081640.2); short protein forms S2626P.
Identifiers: ClinVar variation 1520815 (VCV001520815.4), dbSNP rs374990584, ClinGen allele CA4739999.